The following is an entry in ClinVar:

ClinVar aggregate classification (germline): Pathogenic. Review status: reviewed by expert panel (3 of 4 stars). 5 submissions from 5 submitters: Pathogenic (1). 4 of the submissions do not count toward it. Last evaluated 2026-03-02.

Conditions:
Mucopolysaccharidosis type 1. Also called: IDUA deficiency; MPS I; Mucopolysaccharidosis Type I. Identifiers: Orphanet 579, MedGen C0023786, MONDO:0001586.
Hurler syndrome. Also called: Gargoylism, Hurler Syndrome; MUCOPOLYSACCHARIDOSIS TYPE IH; Severe MPS I (Hurler Syndrome). Identifiers: Orphanet 93473, MedGen C0086795, MONDO:0011758, OMIM 607014.

Submissions (5):

ClinGen Lysosomal Storage Disorder Variant Curation Expert Panel
Classification: Pathogenic for Mucopolysaccharidosis type 1. Last evaluated: 2026-03-02. Review status: reviewed by expert panel. Criteria: ClinGen LSD ACMG Specifications IDUA V1.2.0. Collection method: curation. Allele origin: germline. Inheritance: Autosomal recessive inheritance.
Comment: The NM_000203.5:c.3G>A (p.Met1?) variant in IDUA may cause a truncated or absent protein by altering the start codon of the coding sequence; it is predicted to lead to the omission of the signal sequence, a critical region of the protein (PVS1). This variant has been detected in an individual with MPS I. Some clinical features were mentioned but no enzyme activity, GAG levels, or treatments were reported for the patient (PMID: 9391892); therefore PP4 is not met due to insufficient data. The patient was compound heterozygous for the variant and a variant in IDUA that has been classified as pathogenic variant for MPS I by the ClinGen LD VCEP, c.1029C>A (p.Tyr343Ter) (ClinVarID: 222997); the variants were confirmed to be in trans by parental testing (PMID: 9391892; 1 point (PM3). The highest population minor allele frequency in gnomAD v4.1.0 is 0.000002 (2/1122020 alleles) in the Non-Finnish European population, which is lower than the ClinGen Lysosomal Diseases VCEP’s threshold for PM2_Supporting (<0.00025), meeting this criterion (PM2_Supporting). Three other nucleotide substitutions in the initiator codon of IDUA have been reported, and all of them have been classified as pathogenic for MPS I by the ClinGen LD VCEP; c.1A>C (ClinVar Variation ID: 550458), c.1A>G (ClinVar Variation ID: 1323098), and c.2T>C (ClinVar Variation ID: 639529). In summary, this variant meets the criteria to be classified as pathogenic for MPS I based on the IDUA-specific ACMG/AMP criteria applied, as specified by the ClinGen Lysosomal Diseases Variant Curation Expert Panel (Specifications Version 1.2.0): PVS1, PM3, PM2_Supporting. (Classification approved by the ClinGen Lysosomal Diseases Variant Curation Expert Panel on March 2, 2026).

Natera, Inc.
Classification: Pathogenic for Mucopolysaccharidosis type I. Last evaluated: 2025-04-18. Review status: criteria provided, single submitter. Criteria: Natera Variant Classification Schema (03/2026). Collection method: clinical testing. Allele origin: germline. Not counted in ClinVar's aggregate classification.
Comment: The c.3G>A variant in IDUA is predicted to result in start loss due to disruption of the initiator methionine. This variant is expected to result in nonsense mediated decay, truncation, or a dysfunctional protein product. This variant is rare in the general population with a frequency below the threshold expected for the associated phenotype(s). This variant has been observed in one or more individuals affected with the associated recessive disease, as either homozygous or compound heterozygous with a second variant (PMID: 9391892). Given the available evidence, this variant is classified as Pathogenic.

Labcorp Genetics (formerly Invitae), Labcorp
Classification: Pathogenic for Mucopolysaccharidosis type 1. Last evaluated: 2024-08-21. Review status: criteria provided, single submitter. Criteria: Invitae Variant Classification Sherloc (09022015). Collection method: clinical testing. Allele origin: germline. Not counted in ClinVar's aggregate classification.
Comment: This sequence change affects the initiator methionine of the IDUA mRNA. The next in-frame methionine is located at codon 133. This variant is not present in population databases (gnomAD no frequency). Disruption of the initiator codon has been observed in individuals with mucopolysaccharidosis type I (PMID: 21480867). ClinVar contains an entry for this variant (Variation ID: 557150). For these reasons, this variant has been classified as Pathogenic.

Women's Health and Genetics/Laboratory Corporation of America, LabCorp
Classification: Likely pathogenic for Mucopolysaccharidosis type 1. Last evaluated: 2023-07-28. Review status: criteria provided, single submitter. Criteria: LabCorp Variant Classification Summary - May 2015. Collection method: clinical testing. Allele origin: germline. Not counted in ClinVar's aggregate classification.
Comment: Variant summary: IDUA c.3G>A (p.Met1Ile) alters the initiation codon and is predicted to result either in absence of the protein or truncation of the encoded protein due to translation initiation at a downstream codon (M133). Two of three in-silico tools predict a benign effect of the variant on protein function. The variant was absent in 106268 control chromosomes. c.3G>A has been reported in the literature in compound heterozygosity with a nonsense variant (Tyr343*) in one individual affected with Mucopolysaccharidosis Type 1 (Lee-Chen_1997). To our knowledge, no experimental evidence demonstrating an impact on protein function has been reported. Other variants upstream of the nearest downstream initiation codon (M133) have been classified as pathogenic by our laboratory. The following publication has been ascertained in the context of this evaluation (PMID: 9391892). One submitter has cited clinical-significance assessments for this variant to ClinVar after 2014 and has classified the variant as likely pathogenic. Based on the evidence outlined above, the variant was classified as likely pathogenic.

Counsyl
Classification: Likely pathogenic for Hurler syndrome. Last evaluated: 2018-03-05. Review status: no assertion criteria provided. Collection method: clinical testing. Allele origin: unknown. Not counted in ClinVar's aggregate classification.

Literature cited by the submitters: PubMed 9391892 (cited by Natera, Inc. and Women's Health and Genetics/Laboratory Corporation of America, LabCorp); PubMed 21480867 (cited by Labcorp Genetics (formerly Invitae), Labcorp).

NM_000203.5(IDUA):c.3G>A (p.Met1Ile)

Genes: IDUA (alpha-L-iduronidase; plus strand), SLC26A1 (solute carrier family 26 member 1; minus strand). Cytogenetic location: 4p16.3.
Variant type: single nucleotide variant.
Coding change: c.3G>A on transcript NM_000203.5 (MANE Select); coding-DNA position 3, G replaced by A.
Protein change: p.Met1Ile; changes the start codon (methionine 1).
Molecular consequence: missense variant, initiator codon variant. On other transcripts: non-coding transcript variant (1), intron variant (1).
Genome position (GRCh38, 1-based): chr4:987,087, G>A. VCF-style: chr4-987087-G-A. GRCh37 (hg19) VCF-style: chr4-980875-G-A.
Other names: NM_000203.5(IDUA):c.3G>A; p.Met1Ile; c.576+4041C>T (NM_134425.4); short protein forms M1I.
Identifiers: ClinVar variation 557150 (VCV000557150.8), dbSNP rs1553914740, ClinGen allele CA355945212.